The following is an entry in ClinVar:

ClinVar aggregate classification (germline): Uncertain significance (1 of 4 stars; one submission).

Conditions:
Autosomal dominant sensory ataxia 1. Identifiers: MedGen C1837015, MONDO:0012166, OMIM 608984.

gnomAD v4.1: 1 of 1,612,454 alleles (0.000062%); highest among the groups gnomAD compares: South Asian, 0.0011%; no homozygotes.

Submission:

Neuberg Centre For Genomic Medicine, NCGM
Classification: Uncertain significance for Autosomal dominant sensory ataxia 1. Last evaluated: 2023-02-14. Review status: criteria provided, single submitter. Criteria: ACMG Guidelines, 2015. Collection method: clinical testing. Allele origin: germline. Inheritance: Autosomal dominant inheritance. Affected: yes.
Comment: The missense c.493G>C (p.Gly165Arg) variant in RNF170 gene has not been reported previously as a pathogenic variant nor as a benign variant, to our knowledge. The p.Gly165Arg variant is novel (not in any individuals) in gnomAD Exomes and 1000 Genomes. This variant has not been reported to the ClinVar database. The amino acid change p.Gly165Arg in RNF170 is predicted as conserved by GERP++ and PhyloP across 100 vertebrates. The amino acid Gly at position 165 is changed to a Arg changing protein sequence and it might alter its composition and physico-chemical properties. For these reasons, this variant has been classified as Variant of Uncertain Significance (VUS).

NM_030954.4(RNF170):c.493G>C (p.Gly165Arg)

Gene: RNF170 (ring finger protein 170; minus strand). Cytogenetic location: 8p11.21.
Variant type: single nucleotide variant.
Coding change: c.493G>C on transcript NM_030954.4 (MANE Select); coding-DNA position 493, G replaced by C.
Protein change: p.Gly165Arg; replaces glycine 165 with arginine.
Molecular consequence: missense variant. On other transcripts: non-coding transcript variant (2), intron variant (1).
Genome position (GRCh38, 1-based): chr8:42,861,759, C>G on the plus strand (G>C on the coding strand, the complement: RNF170 is on the minus strand). VCF-style: chr8-42861759-C-G. GRCh37 (hg19) VCF-style: chr8-42716902-C-G.
Other names: c.493G>C, p.Gly165Arg (NM_001160223.2); c.241G>C, p.Gly81Arg (NM_001160225.2); c.396+3657G>C (NM_001160224.2); short protein forms G165R, G81R.
Identifiers: ClinVar variation 2671743 (VCV002671743.1), dbSNP rs139600871, ClinGen allele CA371111989.